The following is an entry in ClinVar:

ClinVar aggregate classification (germline): Uncertain significance (1 of 4 stars; one submission).

Submission:

GeneDx
Classification: Uncertain significance. Last evaluated: 2024-07-24. Review status: criteria provided, single submitter. Criteria: GeneDx Variant Classification Process June 2021. Collection method: clinical testing. Allele origin: germline. Affected: yes.
Comment: Not observed at significant frequency in large population cohorts (gnomAD); In silico analysis supports that this missense variant has a deleterious effect on protein structure/function; Has not been previously published as pathogenic or benign to our knowledge

NM_022168.4(IFIH1):c.2030T>A (p.Met677Lys)

Gene: IFIH1 (interferon induced with helicase C domain 1; minus strand). Cytogenetic location: 2q24.2.
Variant type: single nucleotide variant.
Coding change: c.2030T>A on transcript NM_022168.4 (MANE Select); coding-DNA position 2030, T replaced by A.
Protein change: p.Met677Lys; replaces methionine 677 with lysine.
Molecular consequence: missense variant.
Genome position (GRCh38, 1-based): chr2:162,277,429, A>T on the plus strand (T>A on the coding strand, the complement: IFIH1 is on the minus strand). VCF-style: chr2-162277429-A-T. GRCh37 (hg19) VCF-style: chr2-163133939-A-T.
Other names: short protein forms M677K.
Identifiers: ClinVar variation 3600555 (VCV003600555.1).